The following is an entry in ClinVar:

NM_001321103.2(SLC4A7):c.3343G>A (p.Val1115Met)

Gene: SLC4A7 (solute carrier family 4 member 7; minus strand). Cytogenetic location: 3p24.1.
Variant type: single nucleotide variant.
Coding change: c.3343G>A on transcript NM_001321103.2 (MANE Select); coding-DNA position 3343, G replaced by A.
Protein change: p.Val1115Met; replaces valine 1115 with methionine.
Molecular consequence: missense variant. On other transcripts: non-coding transcript variant (4).
Genome position (GRCh38, 1-based): chr3:27,389,948, C>T on the plus strand (G>A on the coding strand, the complement: SLC4A7 is on the minus strand). VCF-style: chr3-27389948-C-T. GRCh37 (hg19) VCF-style: chr3-27431439-C-T.
Other names: c.2959G>A, p.Val987Met (NM_001258379.2, NM_001321107.2); c.2944G>A, p.Val982Met (NM_001258380.2); c.3304G>A, p.Val1102Met (NM_001321104.2, NM_001321105.2); c.3292G>A, p.Val1098Met (NM_001321106.2); c.2971G>A, p.Val991Met (NM_001321108.2); c.3316G>A, p.Val1106Met (NM_003615.5); short protein forms V1106M, V991M, V1098M, V1115M, V987M, V982M, V1102M.
Identifiers: ClinVar variation 4992728 (VCV004992728.1).

ClinVar aggregate classification (germline): Uncertain significance (1 of 4 stars; one submission).

Conditions:
SLC4A7-related disorder. Also called: SLC4A7-related condition.

Submission:

PreventionGenetics, part of Exact Sciences
Classification: Uncertain significance for SLC4A7-related condition. Last evaluated: 2026-07-23. Review status: criteria provided, single submitter. Criteria: ACMG Guidelines, 2015. Collection method: clinical testing. Allele origin: germline.
Comment: The SLC4A7 c.3316G>A variant is predicted to result in the amino acid substitution p.Val1106Met. To our knowledge, this variant has not been reported in the literature or in a large population database (gnomAD), indicating this variant is rare. At this time, the clinical significance of this variant is uncertain due to the absence of conclusive functional and genetic evidence.